The following is an entry in ClinVar:

ClinVar aggregate classification (germline): Uncertain significance (1 of 4 stars; one submission).

Submission:

Labcorp Genetics (formerly Invitae), Labcorp
Classification: Uncertain significance. Last evaluated: 2025-02-11. Review status: criteria provided, single submitter. Criteria: Invitae Variant Classification Sherloc (09022015). Collection method: clinical testing. Allele origin: germline.
Comment: This sequence change replaces alanine, which is neutral and non-polar, with aspartic acid, which is acidic and polar, at codon 723 of the GSN protein (p.Ala723Asp). This variant is not present in population databases (gnomAD no frequency). This variant has not been reported in the literature in individuals affected with GSN-related conditions. Invitae Evidence Modeling of protein sequence and biophysical properties (such as structural, functional, and spatial information, amino acid conservation, physicochemical variation, residue mobility, and thermodynamic stability) indicates that this missense variant is expected to disrupt GSN protein function with a positive predictive value of 80%. In summary, the available evidence is currently insufficient to determine the role of this variant in disease. Therefore, it has been classified as a Variant of Uncertain Significance.

NM_198252.3(GSN):c.2015C>A (p.Ala672Asp)

Gene: GSN (gelsolin; plus strand). Cytogenetic location: 9q33.2.
Variant type: single nucleotide variant.
Coding change: c.2015C>A on transcript NM_198252.3 (MANE Select); coding-DNA position 2015, C replaced by A.
Protein change: p.Ala672Asp; replaces alanine 672 with aspartic acid.
Molecular consequence: missense variant.
Genome position (GRCh38, 1-based): chr9:121,331,437, C>A. VCF-style: chr9-121331437-C-A. GRCh37 (hg19) VCF-style: chr9-124093715-C-A.
Other names: c.2168C>A, p.Ala723Asp (NM_000177.5); c.2015C>A, p.Ala672Asp (NM_001127662.2, NM_001127664.2, NM_001127665.2 and 10 more transcripts); c.2123C>A, p.Ala708Asp (NM_001127663.2); c.2048C>A, p.Ala683Asp (NM_001127666.2, NM_001127667.2, NM_001353063.2 and 13 more transcripts); c.2066C>A, p.Ala689Asp (NM_001258029.2); c.2039C>A, p.Ala680Asp (NM_001258030.2); c.2087C>A, p.Ala696Asp (NM_001353076.2); c.1361C>A, p.Ala454Asp (NM_001353078.2); short protein forms A680D, A689D, A696D, A708D, A454D, A683D, A672D, A723D.
Identifiers: ClinVar variation 4701804 (VCV004701804.1).